The following is an entry in ClinVar:

NM_004539.4(NARS1):c.1025G>A (p.Cys342Tyr)

Gene: NARS1 (asparaginyl-tRNA synthetase 1; minus strand). Cytogenetic location: 18q21.31.
Variant type: single nucleotide variant.
Coding change: c.1025G>A on transcript NM_004539.4 (MANE Select); coding-DNA position 1025, G replaced by A.
Protein change: p.Cys342Tyr; replaces cysteine 342 with tyrosine.
Molecular consequence: missense variant.
Genome position (GRCh38, 1-based): chr18:57,606,728, C>T on the plus strand (G>A on the coding strand, the complement: NARS1 is on the minus strand). VCF-style: chr18-57606728-C-T. GRCh37 (hg19) VCF-style: chr18-55273960-C-T.
Other names: short protein forms C342Y.
Identifiers: ClinVar variation 2501465 (VCV002501465.3), dbSNP rs2122428716, ClinGen allele CA402546078.
Genomic context (GRCh38, chr18:57,606,728, plus strand): 5'-ACCACATCACAAACCAAGTCCTCCAACCGGTTCAGGAGGTCGTCAAAAGTCAGGAAAGGA[C>T]ACTCAGCTTCCACGTGAGTGTACCTGAAGAACGAGACAATAGCTCAGCACTGCTTTTCTC-3'
Protein context (NP_004530.1, residues 332-352): LAEYTHVEAE[Cys342Tyr]PFLTFDDLLN

ClinVar aggregate classification (germline): Uncertain significance. Review status: criteria provided, multiple submitters, no conflicts (2 of 4 stars). 2 submissions from 2 submitters: Uncertain significance (2). Last evaluated 2025-04-27.

Conditions:
Neurodevelopmental disorder with microcephaly, impaired language, epilepsy, and gait abnormalities. Identifiers: MedGen C5436788, MONDO:0030837, OMIM 619092.

Allele frequency attached by ClinVar (database versions not stated): gnomAD exomes below 0.00001.
gnomAD v4.1: 1 of 1,614,160 alleles (0.000062%); highest among the groups gnomAD compares: Non-Finnish European, 0.000085%; no homozygotes.

Submissions (2):

Victorian Clinical Genetics Services, Murdoch Childrens Research Institute
Classification: Uncertain significance for Neurodevelopmental disorder with microcephaly, impaired language, epilepsy, and gait abnormalities. Last evaluated: 2025-04-27. Review status: criteria provided, single submitter. Criteria: ACMG Guidelines, 2015. Collection method: clinical testing. Allele origin: germline. Affected: no.
Comment: This variant is classified as VUS-3B. Evidence in support of pathogenic classification: Variant is present in gnomAD <0.001 for a dominant condition (v4: 1 heterozygote(s), 0 homozygote(s)); This variant has limited evidence for segregation with disease. This variant has been shown to segregate with disease in three affected individuals from a single family (PMID: 38495304); Missense variant predicted to be damaging by in silico tool(s) or highly conserved with a major amino acid change. Additional information: Variant is predicted to result in a missense amino acid change from cysteine to tyrosine; This variant is heterozygous; This gene is associated with both recessive and dominant disease (OMIM, PMID: 32738225); Alternative amino acid change(s) at the same position are present in gnomAD (Highest allele count: v4: 1 heterozygote(s), 0 homozygote(s)); Previous evidence of pathogenicity for this variant is inconclusive. This variant has been classified as a VUS by a clinical laboratory in ClinVar; No comparable missense variants have previous evidence for pathogenicity; Variant is located in the annotated catalytic domain (PMID: 32738225); Loss of function is a known mechanism of disease in this gene and is associated with recessive neurodevelopmental disorder with microcephaly, impaired language, and gait abnormalities (NEDMILG; MIM#619091). While the mechanism of dominant neurodevelopmental disorder with microcephaly, impaired language, epilepsy, and gait abnormalities (NEDMILEG; MIM#619092) is uncertain, toxic gain of function or dominant negative have been suggested (PMID: 32738225). - Inheritance information for this variant is not currently available in this individual.

GeneDx
Classification: Uncertain significance. Last evaluated: 2022-11-02. Review status: criteria provided, single submitter. Criteria: GeneDx Variant Classification Process June 2021. Collection method: clinical testing. Allele origin: germline. Affected: yes.
Comment: Not observed at significant frequency in large population cohorts (gnomAD); In silico analysis supports that this missense variant has a deleterious effect on protein structure/function; Has not been previously published as pathogenic or benign to our knowledge

Literature cited by the submitters: PubMed 38495304 (cited by Victorian Clinical Genetics Services, Murdoch Childrens Research Institute); PubMed 32738225 (cited by Victorian Clinical Genetics Services, Murdoch Childrens Research Institute).